The following is an entry in ClinVar:

ClinVar aggregate classification (germline): Likely benign (1 of 4 stars; one submission).

Allele frequency attached by ClinVar (database versions not stated): gnomAD exomes below 0.00001; TOPMed below 0.00001.
gnomAD v4.1: 1 of 1,613,828 alleles (0.000062%); highest among the groups gnomAD compares: South Asian, 0.0011%; no homozygotes.

Submission:

CeGaT Center for Human Genetics Tuebingen
Classification: Likely benign. Last evaluated: 2023-05-01. Review status: criteria provided, single submitter. Criteria: CeGaT Center For Human Genetics Tuebingen Variant Classification Criteria Version 2. Collection method: clinical testing. Allele origin: germline. Affected: yes. Observed: 1 variant allele.
Comment: TCERG1: PM2:Supporting, BP4, BP7

NM_001382548.1(TCERG1):c.2877A>G (p.Lys959=)

Gene: TCERG1 (transcription elongation regulator 1; plus strand). Cytogenetic location: 5q32.
Variant type: single nucleotide variant.
Coding change: c.2877A>G on transcript NM_001382548.1 (MANE Select); coding-DNA position 2877, A replaced by G.
Protein change: p.Lys959=; no amino-acid change (lysine 959 retained).
Molecular consequence: synonymous variant. On other transcripts: non-coding transcript variant (52).
Genome position (GRCh38, 1-based): chr5:146,507,123, A>G. VCF-style: chr5-146507123-A-G. GRCh37 (hg19) VCF-style: chr5-145886686-A-G.
Other names: c.2763A>G, p.Lys921= (NM_001040006.2); c.2814A>G, p.Lys938= (NM_001400077.1); c.2820A>G, p.Lys940= (NM_001400082.1); c.2748A>G, p.Lys916= (NM_001400083.1); c.2742A>G, p.Lys914= (NM_001400084.1); c.2730A>G, p.Lys910= (NM_001400085.1); c.2703A>G, p.Lys901= (NM_001400092.1); c.2679A>G, p.Lys893= (NM_001400093.1); and 6 more.
Identifiers: ClinVar variation 2655885 (VCV002655885.24), dbSNP rs1404363356, ClinGen allele CA446927298.